The following is an entry in ClinVar:

ClinVar aggregate classification (germline): Uncertain significance. Review status: criteria provided, multiple submitters, no conflicts (2 of 4 stars). 2 submissions from 2 submitters: Uncertain significance (2). Last evaluated 2026-04-01.

Conditions:
Inborn genetic diseases. Identifiers: MedGen C0950123, MeSH D030342.

Submissions (2):

CeGaT Center for Human Genetics Tuebingen
Classification: Uncertain significance. Last evaluated: 2026-04-01. Review status: criteria provided, single submitter. Criteria: CeGaT Center For Human Genetics Tuebingen Variant Classification Criteria Version 2. Collection method: clinical testing. Allele origin: germline. Affected: yes. Observed: 1 variant allele.
Comment: UMPS: PM2

Ambry Genetics
Classification: Uncertain significance for Inborn genetic diseases. Last evaluated: 2025-03-22. Review status: criteria provided, single submitter. Criteria: Ambry Variant Classification Scheme 2023. Collection method: clinical testing. Allele origin: germline.

NM_000373.4(UMPS):c.35T>G (p.Val12Gly)

Gene: UMPS (uridine monophosphate synthetase; plus strand). Cytogenetic location: 3q21.2.
Variant type: single nucleotide variant.
Coding change: c.35T>G on transcript NM_000373.4 (MANE Select); coding-DNA position 35, T replaced by G.
Protein change: p.Val12Gly; replaces valine 12 with glycine.
Molecular consequence: missense variant. On other transcripts: non-coding transcript variant (2).
Genome position (GRCh38, 1-based): chr3:124,730,506, T>G. VCF-style: chr3-124730506-T-G. GRCh37 (hg19) VCF-style: chr3-124449353-T-G.
Other names: short protein forms V12G.
Identifiers: ClinVar variation 3977604 (VCV003977604.5).